The following is an entry in ClinVar:

NM_001321120.2(TBX4):c.791+11G>A

Gene: TBX4 (T-box transcription factor 4; plus strand). Cytogenetic location: 17q23.2.
Variant type: single nucleotide variant.
Coding change: c.791+11G>A on transcript NM_001321120.2 (MANE Select); 11 bases into the intron after coding-DNA position 791, G replaced by A.
Molecular consequence: intron variant.
Genome position (GRCh38, 1-based): chr17:61,479,980, G>A. VCF-style: chr17-61479980-G-A. GRCh37 (hg19) VCF-style: chr17-59557341-G-A.
Other names: c.791+11G>A (LRG_1206t1, NM_018488.3).
Identifiers: ClinVar variation 324254 (VCV000324254.6), dbSNP rs368363345, ClinGen allele CA8689914.

ClinVar aggregate classification (germline): Benign/Likely benign. Review status: criteria provided, multiple submitters, no conflicts (2 of 4 stars). 2 submissions from 2 submitters: Benign (1); Likely benign (1). Last evaluated 2024-09-16.

Conditions:
Coxopodopatellar syndrome. Also called: ISCHIOCOXOPODOPATELLAR SYNDROME WITH OR WITHOUT PULMONARY ARTERIAL HYPERTENSION; Congenital coxa vara, patella aplasia and tarsal synostosis; ISCHIOPATELLAR DYSPLASIA; SCOTT-TAOR SYNDROME; ISCHIOCOXOPODOPATELLAR SYNDROME; PATELLA APLASIA, COXA VARA, AND TARSAL SYNOSTOSIS. Identifiers: Orphanet 1509, MedGen C1840061, MONDO:0007841, OMIM 147891.

Allele frequency attached by ClinVar (database versions not stated): gnomAD 0.00006; TOPMed 0.00006; ESP Exome Variant Server 0.00008.

Submissions (2):

Blueprint Genetics
Classification: Likely benign. Last evaluated: 2024-09-16. Review status: criteria provided, single submitter. Criteria: ACMG Guidelines, 2015. Collection method: clinical testing. Allele origin: germline.

Illumina Laboratory Services, Illumina
Classification: Benign for Coxopodopatellar syndrome. Last evaluated: 2018-01-12. Review status: criteria provided, single submitter. Criteria: ICSL Variant Classification Criteria 13 December 2019. Collection method: clinical testing. Allele origin: germline.
Comment: This variant was observed in the ICSL laboratory as part of a predisposition screen in an ostensibly healthy population. It had not been previously curated by ICSL or reported in the Human Gene Mutation Database (HGMD: prior to June 1st, 2018), and was therefore a candidate for classification through an automated scoring system. Utilizing variant allele frequency, disease prevalence and penetrance estimates, and inheritance mode, an automated score was calculated to assess if this variant is too frequent to cause the disease. Based on the score and internal cut-off values, a variant classified as benign is not then subjected to further curation. The score for this variant resulted in a classification of benign for this disease.